The following is an entry in ClinVar:

NM_000417.3(IL2RA):c.167G>C (p.Arg56Pro)

Gene: IL2RA (interleukin 2 receptor subunit alpha; minus strand). Cytogenetic location: 10p15.1.
Variant type: single nucleotide variant.
Coding change: c.167G>C on transcript NM_000417.3 (MANE Select); coding-DNA position 167, G replaced by C.
Protein change: p.Arg56Pro; replaces arginine 56 with proline.
Molecular consequence: missense variant.
Genome position (GRCh38, 1-based): chr10:6,025,923, C>G on the plus strand (G>C on the coding strand, the complement: IL2RA is on the minus strand). VCF-style: chr10-6025923-C-G. GRCh37 (hg19) VCF-style: chr10-6067886-C-G.
Other names: c.167G>C, p.Arg56Pro (NM_001308242.2, NM_001308243.2); short protein forms R56P.
Identifiers: ClinVar variation 4773865 (VCV004773865.1).
Genomic context (GRCh38, chr10:6,025,923, plus strand): 5'-CAGGACGAGTGGCTAGAGTTTCCTGTACAGAGCATATAGAGTGACCCGCTTTTTATTCTG[C>G]GGAAACCTCTCTTGCATTCACAGTTCAACATGGTTCCTTCCTTGTAGGCCATGGCTTTGA-3'
Protein context (NP_000408.1, residues 46-66): MLNCECKRGF[Arg56Pro]RIKSGSLYML

ClinVar aggregate classification (germline): Uncertain significance (1 of 4 stars; one submission).

Conditions:
Immunodeficiency due to CD25 deficiency. Also called: CD25 DEFICIENCY; IMMUNODEFICIENCY 41 WITH LYMPHOPROLIFERATION AND AUTOIMMUNITY; IL2RA DEFICIENCY. Identifiers: Orphanet 169100, MedGen C1853392, MONDO:0011664, OMIM 606367.

Submission:

Labcorp Genetics (formerly Invitae), Labcorp
Classification: Uncertain significance for Immunodeficiency due to CD25 deficiency. Last evaluated: 2025-04-22. Review status: criteria provided, single submitter. Criteria: Invitae Variant Classification Sherloc (09022015). Collection method: clinical testing. Allele origin: germline.
Comment: This sequence change replaces arginine, which is basic and polar, with proline, which is neutral and non-polar, at codon 56 of the IL2RA protein (p.Arg56Pro). This variant is not present in population databases (gnomAD no frequency). This variant has not been reported in the literature in individuals affected with IL2RA-related conditions. Invitae Evidence Modeling of protein sequence and biophysical properties (such as structural, functional, and spatial information, amino acid conservation, physicochemical variation, residue mobility, and thermodynamic stability) has been performed for this missense variant. However, the output from this modeling did not meet the statistical confidence thresholds required to predict the impact of this variant on IL2RA protein function. In summary, the available evidence is currently insufficient to determine the role of this variant in disease. Therefore, it has been classified as a Variant of Uncertain Significance.